The following is an entry in ClinVar:

ClinVar aggregate classification (germline): Uncertain significance (1 of 4 stars; one submission).

Submission:

Labcorp Genetics (formerly Invitae), Labcorp
Classification: Uncertain significance. Last evaluated: 2022-05-31. Review status: criteria provided, single submitter. Criteria: Invitae Variant Classification Sherloc (09022015). Collection method: clinical testing. Allele origin: germline.
Comment: This sequence change affects codon 456 of the DTHD1 mRNA. It is a 'silent' change, meaning that it does not change the encoded amino acid sequence of the DTHD1 protein. This variant is not present in population databases (gnomAD no frequency). This variant has not been reported in the literature in individuals affected with DTHD1-related conditions. Algorithms developed to predict the effect of sequence changes on RNA splicing suggest that this variant may disrupt the consensus splice site. In summary, the available evidence is currently insufficient to determine the role of this variant in disease. Therefore, it has been classified as a Variant of Uncertain Significance.

NM_001170700.3(DTHD1):c.2238A>G (p.Lys746=)

Gene: DTHD1 (death domain containing 1; plus strand). Cytogenetic location: 4p14.
Variant type: single nucleotide variant.
Coding change: c.2238A>G on transcript NM_001170700.3 (MANE Select); coding-DNA position 2238, A replaced by G.
Protein change: p.Lys746=; no amino-acid change (lysine 746 retained).
Molecular consequence: synonymous variant. On other transcripts: non-coding transcript variant (2).
Genome position (GRCh38, 1-based): chr4:36,316,384, A>G. VCF-style: chr4-36316384-A-G. GRCh37 (hg19) VCF-style: chr4-36318006-A-G.
Other names: c.1368A>G, p.Lys456= (NM_001136536.5); c.1305A>G, p.Lys435= (NM_001378435.1).
Identifiers: ClinVar variation 2001476 (VCV002001476.4), dbSNP rs2529801530, ClinGen allele CA439038911.